The following is an entry in ClinVar:

NM_001009999.3(KDM1A):c.2603T>C (p.Val868Ala)

Gene: KDM1A (lysine demethylase 1A; plus strand). Cytogenetic location: 1p36.12.
Variant type: single nucleotide variant.
Coding change: c.2603T>C on transcript NM_001009999.3 (MANE Select); coding-DNA position 2603, T replaced by C.
Protein change: p.Val868Ala; replaces valine 868 with alanine.
Molecular consequence: missense variant. On other transcripts: 3 prime UTR variant (1).
Genome position (GRCh38, 1-based): chr1:23,083,336, T>C. VCF-style: chr1-23083336-T-C. GRCh37 (hg19) VCF-style: chr1-23409829-T-C.
Other names: c.2549T>C, p.Val850Ala (NM_001363654.2); c.2609T>C, p.Val870Ala (NM_001410762.1); c.*851T>C (NM_001410763.1); c.2531T>C, p.Val844Ala (NM_015013.4); short protein forms V868A, V850A, V844A, V870A.
Identifiers: ClinVar variation 3863251 (VCV003863251.1).

ClinVar aggregate classification (germline): Uncertain significance (1 of 4 stars; one submission).

Conditions:
Inborn genetic diseases. Identifiers: MedGen C0950123, MeSH D030342.

Submission:

Ambry Genetics
Classification: Uncertain significance for Inborn genetic diseases. Last evaluated: 2025-01-06. Review status: criteria provided, single submitter. Criteria: Ambry Variant Classification Scheme 2023. Collection method: clinical testing. Allele origin: germline.
Comment: The p.V868A variant (also known as c.2603T>C), located in coding exon 21 of the KDM1A gene, results from a T to C substitution at nucleotide position 2603. The valine at codon 868 is replaced by alanine, an amino acid with similar properties. This amino acid position is conserved. In addition, this alteration is predicted to be tolerated by in silico analysis. Based on the available evidence, the clinical significance of this variant remains unclear.